The following is an entry in ClinVar:

NM_006828.4(ASCC3):c.874G>A (p.Asp292Asn)

Gene: ASCC3 (activating signal cointegrator 1 complex subunit 3; minus strand). Cytogenetic location: 6q16.3.
Variant type: single nucleotide variant.
Coding change: c.874G>A on transcript NM_006828.4 (MANE Select); coding-DNA position 874, G replaced by A.
Protein change: p.Asp292Asn; replaces aspartic acid 292 with asparagine.
Molecular consequence: missense variant.
Genome position (GRCh38, 1-based): chr6:100,805,808, C>T on the plus strand (G>A on the coding strand, the complement: ASCC3 is on the minus strand). VCF-style: chr6-100805808-C-T. GRCh37 (hg19) VCF-style: chr6-101253684-C-T.
Other names: c.874G>A, p.Asp292Asn (NM_001284271.2); short protein forms D292N.
Identifiers: ClinVar variation 3130269 (VCV003130269.2), dbSNP rs2482157902, ClinGen allele CA365304777.

ClinVar aggregate classification (germline): Uncertain significance. Review status: criteria provided, multiple submitters, no conflicts (2 of 4 stars). 2 submissions from 2 submitters: Uncertain significance (2). Last evaluated 2024-01-29.

Conditions:
Inborn genetic diseases. Identifiers: MedGen C0950123, MeSH D030342.

Allele frequency attached by ClinVar (database versions not stated): gnomAD exomes below 0.00001.
gnomAD v4.1: 1 of 1,611,318 alleles (0.000062%); highest among the groups gnomAD compares: South Asian, 0.0011%; no homozygotes.

Submissions (2):

Ambry Genetics
Classification: Uncertain significance for Inborn genetic diseases. Last evaluated: 2024-01-29. Review status: criteria provided, single submitter. Criteria: Ambry Variant Classification Scheme 2023. Collection method: clinical testing. Allele origin: germline.

GeneDx
Classification: Uncertain significance. Last evaluated: 2023-07-12. Review status: criteria provided, single submitter. Criteria: GeneDx Variant Classification Process June 2021. Collection method: clinical testing. Allele origin: germline. Affected: yes.
Comment: Has not been previously published as pathogenic or benign to our knowledge; Not observed at significant frequency in large population cohorts (gnomAD); In silico analysis supports that this missense variant does not alter protein structure/function